The following is an entry in ClinVar:

ClinVar aggregate classification (germline): Uncertain significance. Review status: criteria provided, multiple submitters, no conflicts (2 of 4 stars). 2 submissions from 2 submitters: Uncertain significance (2). Last evaluated 2025-03-17.

Allele frequency attached by ClinVar (database versions not stated): ExAC 0.00007; ESP Exome Variant Server 0.00008; gnomAD exomes 0.00008; gnomAD 0.00011 and 0.00012; TOPMed 0.00013; 1000 Genomes Project 30x 0.00016; 1000 Genomes Project 0.00020.
gnomAD v4.1: 79 of 1,613,220 alleles (0.0049%); highest among the groups gnomAD compares: Middle Eastern, 0.083%; no homozygotes.

Submissions (2):

Labcorp Genetics (formerly Invitae), Labcorp
Classification: Uncertain significance. Last evaluated: 2025-03-17. Review status: criteria provided, single submitter. Criteria: Invitae Variant Classification Sherloc (09022015). Collection method: clinical testing. Allele origin: germline.
Comment: This sequence change replaces threonine, which is neutral and polar, with methionine, which is neutral and non-polar, at codon 270 of the GRM6 protein (p.Thr270Met). This variant is present in population databases (rs369555190, gnomAD 0.02%). This variant has not been reported in the literature in individuals affected with GRM6-related conditions. ClinVar contains an entry for this variant (Variation ID: 849207). Invitae Evidence Modeling of protein sequence and biophysical properties (such as structural, functional, and spatial information, amino acid conservation, physicochemical variation, residue mobility, and thermodynamic stability) indicates that this missense variant is not expected to disrupt GRM6 protein function with a negative predictive value of 95%. In summary, the available evidence is currently insufficient to determine the role of this variant in disease. Therefore, it has been classified as a Variant of Uncertain Significance.

Blueprint Genetics
Classification: Uncertain significance. Last evaluated: 2022-08-19. Review status: criteria provided, single submitter. Criteria: ACMG Guidelines, 2015. Collection method: clinical testing. Allele origin: germline.

NM_000843.4(GRM6):c.809C>T (p.Thr270Met)

Gene: GRM6 (glutamate metabotropic receptor 6; minus strand). Cytogenetic location: 5q35.3.
Variant type: single nucleotide variant.
Coding change: c.809C>T on transcript NM_000843.4 (MANE Select); coding-DNA position 809, C replaced by T.
Protein change: p.Thr270Met; replaces threonine 270 with methionine.
Molecular consequence: missense variant.
Genome position (GRCh38, 1-based): chr5:178,991,472, G>A on the plus strand (C>T on the coding strand, the complement: GRM6 is on the minus strand). VCF-style: chr5-178991472-G-A. GRCh37 (hg19) VCF-style: chr5-178418473-G-A.
Other names: short protein forms T270M.
Identifiers: ClinVar variation 849207 (VCV000849207.7), dbSNP rs369555190, ClinGen allele CA3594345.